The following is an entry in ClinVar:

ClinVar aggregate classification (germline): Uncertain significance (1 of 4 stars; one submission).

Submission:

Labcorp Genetics (formerly Invitae), Labcorp
Classification: Uncertain significance. Last evaluated: 2024-10-16. Review status: criteria provided, single submitter. Criteria: Invitae Variant Classification Sherloc (09022015). Collection method: clinical testing. Allele origin: germline.
Comment: This sequence change replaces asparagine, which is neutral and polar, with lysine, which is basic and polar, at codon 134 of the C2 protein (p.Asn134Lys). This variant is not present in population databases (gnomAD no frequency). This variant has not been reported in the literature in individuals affected with C2-related conditions. ClinVar contains an entry for this variant (Variation ID: 1959446). An algorithm developed to predict the effect of missense changes on protein structure and function (PolyPhen-2) suggests that this variant is likely to be disruptive. In summary, the available evidence is currently insufficient to determine the role of this variant in disease. Therefore, it has been classified as a Variant of Uncertain Significance.

NM_000063.6(C2):c.402C>A (p.Asn134Lys)

Gene: C2 (complement C2; plus strand). Cytogenetic location: 6p21.33.
Variant type: single nucleotide variant.
Coding change: c.402C>A on transcript NM_000063.6 (MANE Select); coding-DNA position 402, C replaced by A.
Protein change: p.Asn134Lys; replaces asparagine 134 with lysine.
Molecular consequence: missense variant. On other transcripts: genic upstream transcript variant (2), intron variant (1).
Genome position (GRCh38, 1-based): chr6:31,928,877, C>A. VCF-style: chr6-31928877-C-A. GRCh37 (hg19) VCF-style: chr6-31896654-C-A.
Other names: c.315C>A, p.Asn105Lys (NM_001282458.2); c.402C>A, p.Asn134Lys (NM_001282459.2); c.-63-4733C>A (NM_001282457.2); c.74-4733C>A (NM_001178063.3); c.46+1079C>A (NM_001145903.3); short protein forms N105K, N134K.
Identifiers: ClinVar variation 1959446 (VCV001959446.5), dbSNP rs147021965, ClinGen allele CA363491419.